The following is an entry in ClinVar:

ClinVar aggregate classification (germline): Uncertain significance. Review status: criteria provided, single submitter (1 of 4 stars). 2 submissions from 2 submitters: Uncertain significance (1). 1 of the submissions does not count toward it. Last evaluated 2024-10-25.

Conditions:
ANK3-related disorder. Also called: ANK3-related condition.

Allele frequency attached by ClinVar (database versions not stated): gnomAD 0.00001; gnomAD exomes 0.00001; ExAC 0.00002; TOPMed 0.00003.
gnomAD v4.1: 7 of 1,573,682 alleles (0.00044%); highest among the groups gnomAD compares: Admixed American, 0.015%; no homozygotes.

Submissions (2):

Labcorp Genetics (formerly Invitae), Labcorp
Classification: Uncertain significance. Last evaluated: 2024-10-25. Review status: criteria provided, single submitter. Criteria: Invitae Variant Classification Sherloc (09022015). Collection method: clinical testing. Allele origin: germline.
Comment: This sequence change replaces lysine, which is basic and polar, with glutamic acid, which is acidic and polar, at codon 4139 of the ANK3 protein (p.Lys4139Glu). This variant is present in population databases (rs756369515, gnomAD 0.02%). This variant has not been reported in the literature in individuals affected with ANK3-related conditions. ClinVar contains an entry for this variant (Variation ID: 1921633). Invitae Evidence Modeling of protein sequence and biophysical properties (such as structural, functional, and spatial information, amino acid conservation, physicochemical variation, residue mobility, and thermodynamic stability) indicates that this missense variant is not expected to disrupt ANK3 protein function with a negative predictive value of 80%. In summary, the available evidence is currently insufficient to determine the role of this variant in disease. Therefore, it has been classified as a Variant of Uncertain Significance.

PreventionGenetics, part of Exact Sciences
Classification: Uncertain significance for ANK3-related condition. Last evaluated: 2024-06-23. Review status: no assertion criteria provided. Collection method: clinical testing. Allele origin: germline. Not counted in ClinVar's aggregate classification.
Comment: The ANK3 c.12415A>G variant is predicted to result in the amino acid substitution p.Lys4139Glu. To our knowledge, this variant has not been reported in the literature. This variant is reported in 0.023% of alleles in individuals of Latino descent in gnomAD. At this time, the clinical significance of this variant is uncertain due to the absence of conclusive functional and genetic evidence.

NM_020987.5(ANK3):c.12415A>G (p.Lys4139Glu)

Gene: ANK3 (ankyrin 3; minus strand). Cytogenetic location: 10q21.2.
Variant type: single nucleotide variant.
Coding change: c.12415A>G on transcript NM_020987.5 (MANE Select); coding-DNA position 12415, A replaced by G.
Protein change: p.Lys4139Glu; replaces lysine 4139 with glutamic acid.
Molecular consequence: missense variant.
Genome position (GRCh38, 1-based): chr10:60,064,193, T>C on the plus strand (A>G on the coding strand, the complement: ANK3 is on the minus strand). VCF-style: chr10-60064193-T-C. GRCh37 (hg19) VCF-style: chr10-61823951-T-C.
Other names: c.12415A>G (NM_020987.4); c.1978A>G, p.Lys660Glu (NM_001149.4); c.4558A>G, p.Lys1520Glu (NM_001204403.2); c.4579A>G, p.Lys1527Glu (NM_001204404.2); c.4576A>G, p.Lys1526Glu (NM_001320874.2); short protein forms K1526E, K1520E, K4139E, K1527E, K660E.
Identifiers: ClinVar variation 1921633 (VCV001921633.6), dbSNP rs756369515, ClinGen allele CA5510897.